The following is an entry in ClinVar:

NM_001184880.2(PCDH19):c.1652T>C (p.Val551Ala)

Gene: PCDH19 (protocadherin 19; minus strand). Cytogenetic location: Xq22.1.
Variant type: single nucleotide variant.
Coding change: c.1652T>C on transcript NM_001184880.2 (MANE Select); coding-DNA position 1652, T replaced by C.
Protein change: p.Val551Ala; replaces valine 551 with alanine.
Molecular consequence: missense variant.
Genome position (GRCh38, 1-based): chrX:100,406,946, A>G on the plus strand (T>C on the coding strand, the complement: PCDH19 is on the minus strand). VCF-style: chrX-100406946-A-G. GRCh37 (hg19) VCF-style: chrX-99661944-A-G.
Other names: c.1652T>C, p.Val551Ala (NM_001105243.2, NM_020766.3); short protein forms V551A.
Identifiers: ClinVar variation 1040182 (VCV001040182.13), dbSNP rs1928373723, ClinGen allele CA414002259.

ClinVar aggregate classification (germline): Uncertain significance. Review status: criteria provided, multiple submitters, no conflicts (2 of 4 stars). 2 submissions from 2 submitters: Uncertain significance (2). Last evaluated 2022-07-25.

Conditions:
Developmental and epileptic encephalopathy, 9 (DEE9). Also called: Early infantile epileptic encephalopathy 9; EPILEPSY, FEMALE-RESTRICTED, WITH MENTAL RETARDATION; JUBERG-HELLMAN SYNDROME; PCDH19-Related X-Linked Female-Limited Epilepsy with Mental Retardation. Identifiers: Orphanet 101039, Orphanet 2076, MedGen C1848137, MONDO:0010246, OMIM 300088. Disease mechanism: loss of function.

Submissions (2):

Labcorp Genetics (formerly Invitae), Labcorp
Classification: Uncertain significance for Developmental and epileptic encephalopathy, 9. Last evaluated: 2022-07-25. Review status: criteria provided, single submitter. Criteria: Invitae Variant Classification Sherloc (09022015). Collection method: clinical testing. Allele origin: germline.
Comment: In summary, the available evidence is currently insufficient to determine the role of this variant in disease. Therefore, it has been classified as a Variant of Uncertain Significance. Algorithms developed to predict the effect of missense changes on protein structure and function (SIFT, PolyPhen-2, Align-GVGD) all suggest that this variant is likely to be disruptive. ClinVar contains an entry for this variant (Variation ID: 1040182). This variant has not been reported in the literature in individuals affected with PCDH19-related conditions. This variant is not present in population databases (gnomAD no frequency). This sequence change replaces valine, which is neutral and non-polar, with alanine, which is neutral and non-polar, at codon 551 of the PCDH19 protein (p.Val551Ala).

Institute of Human Genetics, University of Leipzig Medical Center
Classification: Uncertain significance for Developmental and epileptic encephalopathy, 9. Last evaluated: 2022-07-12. Review status: criteria provided, single submitter. Criteria: ACMG Guidelines, 2015. Collection method: clinical testing. Allele origin: unknown. Affected: yes.
Comment: _x000D_ Criteria applied: PM2_SUP, PP3